The following is an entry in ClinVar:

NM_006329.4(FBLN5):c.18-87G>A

Gene: FBLN5 (fibulin 5; minus strand). Cytogenetic location: 14q32.12.
Variant type: single nucleotide variant.
Coding change: c.18-87G>A on transcript NM_006329.4 (MANE Select); 87 bases into the intron before coding-DNA position 18, G replaced by A.
Molecular consequence: intron variant.
Genome position (GRCh38, 1-based): chr14:91,943,048, C>T on the plus strand (G>A on the coding strand, the complement: FBLN5 is on the minus strand). VCF-style: chr14-91943048-C-T. GRCh37 (hg19) VCF-style: chr14-92409392-C-T.
Other names: c.18-87G>A (NM_001384160.1, NM_001384158.1); c.-252-87G>A (NM_001384162.1, NM_001384161.1); c.69-87G>A (NM_001384159.1).
Identifiers: ClinVar variation 679642 (VCV000679642.2), dbSNP rs10135192, ClinGen allele CA265612269.
Genomic context (GRCh38, chr14:91,943,048, plus strand): 5'-ATGCCCAAGACAGATTCAGGTCTAGGGGAGTGTGGGTCGCATGCGGCCCGTGACGTGTAA[C>T]GGTGATATCACCTTGGGCTTGTATGGGGTGGGGTGTGCTCCAGGGAGGTCATGGTGGTTC-3'

ClinVar aggregate classification (germline): Benign. Review status: criteria provided, multiple submitters, no conflicts (2 of 4 stars). 2 submissions from 2 submitters: Benign (2). Last evaluated 2018-06-16.

Allele frequency attached by ClinVar (database versions not stated): gnomAD exomes 0.00331; gnomAD 0.02871 and 0.03077; 1000 Genomes Project 0.03035; TOPMed 0.03373; 1000 Genomes Project 30x 0.03529.
gnomAD v4.1: 6,893 of 872,944 alleles (0.79%); highest among the groups gnomAD compares: African/African-American, 9.9%; 350 homozygotes.

Submissions (2):

GeneDx
Classification: Benign. Last evaluated: 2018-06-16. Review status: criteria provided, single submitter. Criteria: GeneDx Variant Classification (06012015). Collection method: clinical testing. Allele origin: germline. Affected: yes.
Comment: This variant is considered likely benign or benign based on one or more of the following criteria: it is a conservative change, it occurs at a poorly conserved position in the protein, it is predicted to be benign by multiple in silico algorithms, and/or has population frequency not consistent with disease.

Breakthrough Genomics
Classification: Benign. Review status: criteria provided, single submitter. Criteria: ACMG Guidelines, 2015. Collection method: not provided. Allele origin: germline. Inheritance: Autosomal recessive inheritance. Affected: yes.